The following is an entry in ClinVar:

ClinVar aggregate classification (germline): Uncertain significance (1 of 4 stars; one submission).

Submission:

GeneDx
Classification: Uncertain significance. Last evaluated: 2024-09-19. Review status: criteria provided, single submitter. Criteria: GeneDx Variant Classification Process June 2021. Collection method: clinical testing. Allele origin: germline. Affected: yes.
Comment: Not observed at significant frequency in large population cohorts (gnomAD); In silico analysis supports that this missense variant has a deleterious effect on protein structure/function; In silico analysis supports that this missense variant has a deleterious effect on splicing; Has not been previously published as pathogenic or benign to our knowledge

NM_017414.4(USP18):c.930C>G (p.His310Gln)

Gene: USP18 (ubiquitin specific peptidase 18; plus strand). Cytogenetic location: 22q11.21.
Variant type: single nucleotide variant.
Coding change: c.930C>G on transcript NM_017414.4 (MANE Select); coding-DNA position 930, C replaced by G.
Protein change: p.His310Gln; replaces histidine 310 with glutamine.
Molecular consequence: missense variant.
Genome position (GRCh38, 1-based): chr22:18,173,188, C>G. VCF-style: chr22-18173188-C-G. GRCh37 (hg19) VCF-style: chr22-18655955-C-G.
Other names: short protein forms H310Q.
Identifiers: ClinVar variation 3774035 (VCV003774035.1).